The following is an entry in ClinVar:

NM_198578.4(LRRK2):c.2987A>T (p.Asp996Val)

Gene: LRRK2 (leucine rich repeat kinase 2; plus strand). Cytogenetic location: 12q12.
Variant type: single nucleotide variant.
Coding change: c.2987A>T on transcript NM_198578.4 (MANE Select); coding-DNA position 2987, A replaced by T.
Protein change: p.Asp996Val; replaces aspartic acid 996 with valine.
Molecular consequence: missense variant.
Genome position (GRCh38, 1-based): chr12:40,295,535, A>T. VCF-style: chr12-40295535-A-T. GRCh37 (hg19) VCF-style: chr12-40689337-A-T.
Other names: short protein forms D996V.
Identifiers: ClinVar variation 308622 (VCV000308622.6), dbSNP rs886049358, ClinGen allele CA10642129.

ClinVar aggregate classification (germline): Uncertain significance. Review status: criteria provided, multiple submitters, no conflicts (2 of 4 stars). 2 submissions from 2 submitters: Uncertain significance (2). Last evaluated 2024-03-04.

Conditions:
Autosomal dominant Parkinson disease 8. Also called: Parkinson disease 8, susceptibility to; LRRK2-Related Parkinson Disease; Parkinson disease 8. Identifiers: Orphanet 411602, MedGen C1846862, MONDO:0011764, OMIM 607060.
Inborn genetic diseases. Identifiers: MedGen C0950123, MeSH D030342.

Allele frequency attached by ClinVar (database versions not stated): gnomAD 0.00001; TOPMed 0.00001.
gnomAD v4.1: 1 of 1,613,920 alleles (0.000062%); highest among the groups gnomAD compares: African/African-American, 0.0013%; no homozygotes.

Submissions (2):

Ambry Genetics
Classification: Uncertain significance for Inborn genetic diseases. Last evaluated: 2024-03-04. Review status: criteria provided, single submitter. Criteria: Ambry Variant Classification Scheme 2023. Collection method: clinical testing. Allele origin: germline.
Comment: The p.D996V variant (also known as c.2987A>T), located in coding exon 23 of the LRRK2 gene, results from an A to T substitution at nucleotide position 2987. The aspartic acid at codon 996 is replaced by valine, an amino acid with highly dissimilar properties. This amino acid position is conserved. In addition, the in silico prediction for this alteration is inconclusive. Based on the available evidence, the clinical significance of this alteration remains unclear.

Illumina Laboratory Services, Illumina
Classification: Uncertain significance for Autosomal dominant Parkinson disease 8. Last evaluated: 2018-01-13. Review status: criteria provided, single submitter. Criteria: ICSL Variant Classification Criteria 13 December 2019. Collection method: clinical testing. Allele origin: germline.